The following is an entry in ClinVar:

NM_001367624.2(ZNF469):c.11746C>A (p.Pro3916Thr)

Gene: ZNF469 (zinc finger protein 469; plus strand). Cytogenetic location: 16q24.2.
Variant type: single nucleotide variant.
Coding change: c.11746C>A on transcript NM_001367624.2 (MANE Select); coding-DNA position 11746, C replaced by A.
Protein change: p.Pro3916Thr; replaces proline 3916 with threonine.
Molecular consequence: missense variant.
Genome position (GRCh38, 1-based): chr16:88,439,216, C>A. VCF-style: chr16-88439216-C-A. GRCh37 (hg19) VCF-style: chr16-88505624-C-A.
Other names: short protein forms P3916T.
Identifiers: ClinVar variation 4848098 (VCV004848098.1).
Genomic context (GRCh38, chr16:88,439,216, plus strand): 5'-CCCCAGGGGAGACCCCTGCTCAGGCCCCCCAAGAGGGGCACAGCTGTCCACGGTGCTGAA[C>A]CTGCCGAGCCACACACCCACCGGACGGCCGAGGCCCAGAGTGACCTCCTCAGCCAGCTCT-3'
Protein context (NP_001354553.1, residues 3906-3926): KRGTAVHGAE[Pro3916Thr]AEPHTHRTAE

ClinVar aggregate classification (germline): Uncertain significance (1 of 4 stars; one submission).

Submission:

Women's Health and Genetics/Laboratory Corporation of America, LabCorp
Classification: Uncertain significance. Last evaluated: 2026-02-03. Review status: criteria provided, single submitter. Criteria: LabCorp Variant Classification Summary - May 2015. Collection method: clinical testing. Allele origin: germline.
Comment: Variant summary: ZNF469 c.11746C>A (p.Pro3916Thr) results in a non-conservative amino acid change in the encoded protein sequence. Algorithms developed to predict the effect of missense changes on protein structure and function are either unavailable or do not agree on the potential impact of this missense change. The variant was absent in 152760 control chromosomes. The available data on variant occurrences in the general population are insufficient to allow any conclusion about variant significance. To our knowledge, no occurrence of c.11746C>A in individuals affected with ZNF469-related conditions and no experimental evidence demonstrating its impact on protein function have been reported. No submitters have cited clinical-significance assessments for this variant to ClinVar. Based on the evidence outlined above, the variant was classified as uncertain significance.